The following is an entry in ClinVar:

ClinVar aggregate classification (germline): Benign. Review status: criteria provided, multiple submitters, no conflicts (2 of 4 stars). 3 submissions from 3 submitters: Benign (2). 1 of the submissions does not count toward it. Last evaluated 2019-12-31.

Conditions:
TNS1-related disorder. Also called: TNS1-related condition.

Allele frequency attached by ClinVar (database versions not stated): gnomAD exomes 0.00272; ExAC 0.00610; gnomAD 0.00963; ESP Exome Variant Server 0.01092; TOPMed 0.01109; 1000 Genomes Project 0.01238; 1000 Genomes Project 30x 0.01280.
gnomAD v4.1: 2,977 of 1,550,888 alleles (0.19%); highest among the groups gnomAD compares: African/African-American, 3.6%; 51 homozygotes.

Submissions (3):

Labcorp Genetics (formerly Invitae), Labcorp
Classification: Benign. Last evaluated: 2019-12-31. Review status: criteria provided, single submitter. Criteria: Invitae Variant Classification Sherloc (09022015). Collection method: clinical testing. Allele origin: germline.

Breakthrough Genomics
Classification: Benign. Review status: criteria provided, single submitter. Criteria: ACMG Guidelines, 2015. Collection method: not provided. Allele origin: germline. Inheritance: Unknown mechanism. Affected: yes.

PreventionGenetics, part of Exact Sciences
Classification: Benign for TNS1-related condition. Last evaluated: 2019-03-26. Review status: no assertion criteria provided. Collection method: clinical testing. Allele origin: germline. Not counted in ClinVar's aggregate classification.
Comment: This variant is classified as benign based on ACMG/AMP sequence variant interpretation guidelines (Richards et al. 2015 PMID: 25741868, with internal and published modifications).

NM_001387777.1(TNS1):c.3506C>A (p.Thr1169Asn)

Gene: TNS1 (tensin 1; minus strand). Cytogenetic location: 2q35.
Variant type: single nucleotide variant.
Coding change: c.3506C>A on transcript NM_001387777.1 (MANE Select); coding-DNA position 3506, C replaced by A.
Protein change: p.Thr1169Asn; replaces threonine 1169 with asparagine.
Molecular consequence: missense variant.
Genome position (GRCh38, 1-based): chr2:217,821,806, G>T on the plus strand (C>A on the coding strand, the complement: TNS1 is on the minus strand). VCF-style: chr2-217821806-G-T. GRCh37 (hg19) VCF-style: chr2-218686529-G-T.
Other names: c.3155C>A, p.Thr1052Asn (NM_001308022.2); c.3131C>A, p.Thr1044Asn (NM_001308023.2); c.3194C>A, p.Thr1065Asn (NM_022648.7); short protein forms T1065N, T1052N, T1044N, T1169N.
Identifiers: ClinVar variation 775812 (VCV000775812.7), dbSNP rs77931866, ClinGen allele CA2099861.